The following is an entry in ClinVar:

ClinVar aggregate classification (germline): Uncertain significance (1 of 4 stars; one submission).

Submission:

Labcorp Genetics (formerly Invitae), Labcorp
Classification: Uncertain significance. Last evaluated: 2021-09-21. Review status: criteria provided, single submitter. Criteria: Invitae Variant Classification Sherloc (09022015). Collection method: clinical testing. Allele origin: germline.
Comment: In summary, the available evidence is currently insufficient to determine the role of this variant in disease. Therefore, it has been classified as a Variant of Uncertain Significance. This sequence change replaces phenylalanine with leucine at codon 62 of the HNF4A protein (p.Phe62Leu). The phenylalanine residue is highly conserved and there is a small physicochemical difference between phenylalanine and leucine. This variant is not present in population databases (ExAC no frequency). This variant has not been reported in the literature in individuals affected with HNF4A-related conditions. Algorithms developed to predict the effect of missense changes on protein structure and function are either unavailable or do not agree on the potential impact of this missense change (SIFT: "Deleterious"; PolyPhen-2: "Possibly Damaging"; Align-GVGD: "Class C0").

NM_175914.5(HNF4A):c.186C>G (p.Phe62Leu)

Gene: HNF4A (hepatocyte nuclear factor 4 alpha; plus strand). Cytogenetic location: 20q13.12.
Variant type: single nucleotide variant.
Coding change: c.186C>G on transcript NM_175914.5 (MANE Select); coding-DNA position 186, C replaced by G.
Protein change: p.Phe62Leu; replaces phenylalanine 62 with leucine.
Molecular consequence: missense variant.
Genome position (GRCh38, 1-based): chr20:44,406,194, C>G. VCF-style: chr20-44406194-C-G. GRCh37 (hg19) VCF-style: chr20-43034834-C-G.
Other names: c.252C>G, p.Phe84Leu (NM_000457.6, NM_178849.3, NM_178850.3); c.186C>G, p.Phe62Leu (NM_001030003.3, NM_001030004.3); c.231C>G, p.Phe77Leu (NM_001258355.2); c.177C>G, p.Phe59Leu (NM_001287182.2, NM_001287183.2, NM_001287184.2); short protein forms F62L, F77L, F84L, F59L.
Identifiers: ClinVar variation 1492098 (VCV001492098.6), dbSNP rs2146368300, ClinGen allele CA409103947.